The following is an entry in ClinVar:

NM_001048174.2(MUTYH):c.298T>C (p.Tyr100His)

Gene: MUTYH (mutY DNA glycosylase; minus strand). Cytogenetic location: 1p34.1.
Variant type: single nucleotide variant.
Coding change: c.298T>C on transcript NM_001048174.2 (MANE Select); coding-DNA position 298, T replaced by C.
Protein change: p.Tyr100His; replaces tyrosine 100 with histidine.
Molecular consequence: missense variant. On other transcripts: synonymous variant (2), non-coding transcript variant (2).
Genome position (GRCh38, 1-based): chr1:45,333,291, A>G on the plus strand (T>C on the coding strand, the complement: MUTYH is on the minus strand). VCF-style: chr1-45333291-A-G. GRCh37 (hg19) VCF-style: chr1-45798963-A-G.
Other names: c.298T>C, p.Tyr100His (NM_001048171.2, NM_001048173.2, NM_001293195.2); c.301T>C, p.Tyr101His (NM_001048172.2); c.382T>C, p.Tyr128His (NM_001128425.2); c.343T>C, p.Tyr115His (NM_001293190.2); c.331T>C, p.Tyr111His (NM_001293191.2); c.22T>C, p.Tyr8His (NM_001293192.2, NM_001293196.2); c.27T>C, p.His9= (NM_001350650.2, NM_001350651.2); c.373T>C, p.Tyr125His (NM_012222.3); short protein forms Y100H, Y101H, Y111H, Y115H, Y125H, Y128H, Y8H.
Identifiers: ClinVar variation 1020193 (VCV001020193.8), dbSNP rs1645311915, ClinGen allele CA340136241.

ClinVar aggregate classification (germline): Uncertain significance (1 of 4 stars; one submission).

Conditions:
Familial adenomatous polyposis 2. Also called: COLORECTAL ADENOMATOUS POLYPOSIS, AUTOSOMAL RECESSIVE; ADENOMAS, MULTIPLE COLORECTAL, AUTOSOMAL RECESSIVE; Adenomas, multiple colorectal; FAP type 2; MUTYH Polyposis; MUTYH-associated polyposis. Identifiers: Orphanet 220460, Orphanet 247798, MedGen C3272841, MONDO:0012041, OMIM 608456.

Allele frequency attached by ClinVar (database versions not stated): gnomAD exomes below 0.00001.

Submission:

Labcorp Genetics (formerly Invitae), Labcorp
Classification: Uncertain significance for Familial adenomatous polyposis 2. Last evaluated: 2020-06-25. Review status: criteria provided, single submitter. Criteria: Invitae Variant Classification Sherloc (09022015). Collection method: clinical testing. Allele origin: germline.
Comment: This variant is not present in population databases (ExAC no frequency). In summary, the available evidence is currently insufficient to determine the role of this variant in disease. Therefore, it has been classified as a Variant of Uncertain Significance. This variant has been reported to have conflicting or insufficient data to determine the effect on MUTYH protein function (PMID: 25820570). This variant has been observed homozygous in individuals with polyposis and colorectal cancer (PMID: 23677194, 15366000). This variant is also known as c.340T>C (p.Y114H). This sequence change replaces tyrosine with histidine at codon 128 of the MUTYH protein (p.Tyr128His). The tyrosine residue is highly conserved and there is a moderate physicochemical difference between tyrosine and histidine.

Literature cited by the submitters: PubMed 25820570; PubMed 23677194; PubMed 15366000.